The following is an entry in ClinVar:

ClinVar aggregate classification (germline): Uncertain significance (1 of 4 stars; one submission).

Conditions:
Brunner syndrome (BRNRS). Identifiers: Orphanet 3057, MedGen C0796275, MONDO:0010379, OMIM 300615.

Allele frequency attached by ClinVar (database versions not stated): gnomAD exomes 0.00001; ExAC 0.00002.
gnomAD v4.1: 12 of 1,197,745 alleles (0.001%); highest among the groups gnomAD compares: Non-Finnish European, 0.0014%; no homozygotes.

Submission:

Labcorp Genetics (formerly Invitae), Labcorp
Classification: Uncertain significance for Brunner syndrome. Last evaluated: 2021-10-28. Review status: criteria provided, single submitter. Criteria: Invitae Variant Classification Sherloc (09022015). Collection method: clinical testing. Allele origin: germline.
Comment: Algorithms developed to predict the effect of missense changes on protein structure and function (SIFT, PolyPhen-2, Align-GVGD) all suggest that this variant is likely to be tolerated. This variant has not been reported in the literature in individuals affected with MAOA-related conditions. This variant is present in population databases (rs778306070, gnomAD 0.001%). This sequence change replaces glutamic acid, which is acidic and polar, with lysine, which is basic and polar, at codon 385 of the MAOA protein (p.Glu385Lys). In summary, the available evidence is currently insufficient to determine the role of this variant in disease. Therefore, it has been classified as a Variant of Uncertain Significance.

NM_000240.4(MAOA):c.1153G>A (p.Glu385Lys)

Gene: MAOA (monoamine oxidase A; plus strand). Cytogenetic location: Xp11.3.
Variant type: single nucleotide variant.
Coding change: c.1153G>A on transcript NM_000240.4 (MANE Select); coding-DNA position 1153, G replaced by A.
Protein change: p.Glu385Lys; replaces glutamic acid 385 with lysine.
Molecular consequence: missense variant.
Genome position (GRCh38, 1-based): chrX:43,740,727, G>A. VCF-style: chrX-43740727-G-A. GRCh37 (hg19) VCF-style: chrX-43599974-G-A.
Other names: c.754G>A, p.Glu252Lys (NM_001270458.2); short protein forms E385K, E252K.
Identifiers: ClinVar variation 1385383 (VCV001385383.6), dbSNP rs778306070, ClinGen allele CA10390914.
Genomic context (GRCh38, chrX:43,740,727, plus strand): 5'-GCTCTGTTTTATAGGAAGAAGAAAATCTGTGAGCTCTATGCCAAAGTGCTGGGATCCCAA[G>A]AAGCTTTACATGTAAGAAACTCCCAGCTTTAATCCCTAGCAGGTTCTTCTCTGTTCACTA-3'
Protein context (NP_000231.1, residues 375-395): ELYAKVLGSQ[Glu385Lys]ALHPVHYEEK